The following is an entry in ClinVar:

ClinVar aggregate classification (germline): Uncertain significance (1 of 4 stars; one submission).

gnomAD v4.1: 3 of 1,613,534 alleles (0.00019%); highest among the groups gnomAD compares: Non-Finnish European, 0.00025%; no homozygotes.

Submission:

GeneDx
Classification: Uncertain significance. Last evaluated: 2026-02-05. Review status: criteria provided, single submitter. Criteria: GeneDx Variant Classification Process June 2021. Collection method: clinical testing. Allele origin: germline.
Comment: Not observed at significant frequency in large population cohorts (gnomAD); In silico analysis supports that this missense variant has a deleterious effect on protein structure/function; Has not been previously published as pathogenic or benign to our knowledge; Not located in one of the three hot-spot regions of the RYR2 gene, where the majority of pathogenic missense variants occur (PMID: 19926015); This variant is associated with the following publications: (PMID: 19926015)

NM_001035.3(RYR2):c.5972A>G (p.Glu1991Gly)

Gene: RYR2 (ryanodine receptor 2; plus strand). Cytogenetic location: 1q43.
Variant type: single nucleotide variant.
Coding change: c.5972A>G on transcript NM_001035.3 (MANE Select); coding-DNA position 5972, A replaced by G.
Protein change: p.Glu1991Gly; replaces glutamic acid 1991 with glycine.
Molecular consequence: missense variant.
Genome position (GRCh38, 1-based): chr1:237,623,820, A>G. VCF-style: chr1-237623820-A-G. GRCh37 (hg19) VCF-style: chr1-237787120-A-G.
Other names: short protein forms E1991G.
Identifiers: ClinVar variation 4976359 (VCV004976359.1).